The following is an entry in ClinVar:

NM_005359.6(SMAD4):c.1448-5G>C

Gene: SMAD4 (SMAD family member 4; plus strand). Cytogenetic location: 18q21.2.
Variant type: single nucleotide variant.
Coding change: c.1448-5G>C on transcript NM_005359.6 (MANE Select); 5 bases into the intron before coding-DNA position 1448, G replaced by C.
Molecular consequence: intron variant.
Genome position (GRCh38, 1-based): chr18:51,078,251, G>C. VCF-style: chr18-51078251-G-C. GRCh37 (hg19) VCF-style: chr18-48604621-G-C.
Identifiers: ClinVar variation 141298 (VCV000141298.14), dbSNP rs587781640, ClinGen allele CA165040.

ClinVar aggregate classification (germline): Conflicting classifications of pathogenicity. Review status: criteria provided, conflicting classifications (1 of 4 stars). 3 submissions from 3 submitters: Uncertain significance (1); Likely benign (2). Last evaluated 2025-11-10.

Conditions:
Juvenile polyposis syndrome (JPS). Identifiers: Orphanet 2929, MedGen C0345893, MONDO:0017380, OMIM 174900.
Familial thoracic aortic aneurysm and aortic dissection (TAAD). Also called: Thoracic aortic aneurysms and dissections. Identifiers: Orphanet 91387, MedGen C4707243, MONDO:0019625.
Hereditary cancer-predisposing syndrome. Also called: Neoplastic Syndromes, Hereditary; Tumor predisposition; Hereditary Cancer Syndrome; Hereditary neoplastic syndrome. Identifiers: Orphanet 140162, MedGen C0027672, MeSH D009386, MONDO:0015356.
Juvenile polyposis/hereditary hemorrhagic telangiectasia syndrome (JPHT). Also called: POLYPOSIS, GENERALIZED JUVENILE, WITH PULMONARY ARTERIOVENOUS MALFORMATION; TELANGIECTASIA, HEREDITARY HEMORRHAGIC, WITH JUVENILE POLYPOSIS COLI; JP/HHT SYNDROME; JUVENILE POLYPOSIS WITH HEREDITARY HEMORRHAGIC TELANGIECTASIA; Juvenile Polyposis Syndrome / Hereditary Hemorrhagic Telangiectasia (JPS/HHT). Identifiers: Orphanet 2929, MedGen C1832942, MONDO:0008278, OMIM 175050.

Allele frequency attached by ClinVar (database versions not stated): TOPMed below 0.00001.

Submissions (3):

Ambry Genetics
Classification: Uncertain significance for Hereditary cancer-predisposing syndrome; Familial thoracic aortic aneurysm and aortic dissection. Last evaluated: 2025-11-10. Review status: criteria provided, single submitter. Criteria: Ambry Variant Classification Scheme 2023. Collection method: clinical testing. Allele origin: germline.
Comment: The c.1448-5G>C intronic variant results from a G to C substitution 5 nucleotides upstream from coding exon 11 in the SMAD4 gene. This nucleotide position is not well conserved in available vertebrate species. In silico splice site analysis predicts that this alteration will not have any significant effect on splicing; however, direct evidence is insufficient at this time (Ambry internal data). Based on the available evidence, the clinical significance of this variant remains unclear.

Myriad Genetics, Inc.
Classification: Likely benign for Juvenile polyposis/hereditary hemorrhagic telangiectasia syndrome. Last evaluated: 2025-03-24. Review status: criteria provided, single submitter. Criteria: Myriad Autosomal Dominant, Autosomal Recessive and X-Linked Classification Criteria (2023). Collection method: clinical testing. Allele origin: unknown.
Comment: This variant is considered likely benign. This variant is intronic and is not expected to impact mRNA splicing.

Labcorp Genetics (formerly Invitae), Labcorp
Classification: Likely benign for Juvenile polyposis syndrome. Last evaluated: 2020-11-05. Review status: criteria provided, single submitter. Criteria: Invitae Variant Classification Sherloc (09022015). Collection method: clinical testing. Allele origin: germline.